The following is an entry in ClinVar:

ClinVar aggregate classification (germline): Uncertain significance (1 of 4 stars; one submission).

Submission:

GeneDx
Classification: Uncertain significance. Last evaluated: 2020-04-21. Review status: criteria provided, single submitter. Criteria: GeneDx Variant Classification Process June 2021. Collection method: clinical testing. Allele origin: germline. Affected: yes.
Comment: Not observed in large population cohorts (Lek 2016); In-frame insertion of 1 amino acid in a non-repeat region; Has not been previously published as pathogenic or benign to our knowledge

NM_032638.5(GATA2):c.962_963insAGT (p.Leu321_Tyr322insVal)

Gene: GATA2 (GATA binding protein 2; minus strand). Cytogenetic location: 3q21.3.
Variant type: Insertion.
Coding change: c.962_963insAGT on transcript NM_032638.5 (MANE Select); coding-DNA positions 962 to 963, AGT inserted.
Protein change: p.Leu321_Tyr322insVal.
Molecular consequence: inframe insertion.
Genome position: GRCh38 VCF-style: chr3-128483914-G-GACT. GRCh37 (hg19) VCF-style: chr3-128202757-G-GACT.
Other names: c.962_963insAGT, p.Leu321_Tyr322insVal (NM_001145661.2, NM_001145662.1).
Identifiers: ClinVar variation 1314985 (VCV001314985.2), dbSNP rs2107670384, ClinGen allele CA2573052070.